The following is an entry in ClinVar:

NM_004415.4(DSP):c.6695_6696del (p.Thr2232fs)

Gene: DSP (desmoplakin; plus strand). Cytogenetic location: 6p24.3.
Variant type: Deletion.
Coding change: c.6695_6696del on transcript NM_004415.4 (MANE Select); coding-DNA positions 6695 to 6696, 2 bases deleted (CT; older notation c.6695_6696delCT).
Protein change: p.Thr2232fs; shifts the reading frame from threonine 2232.
Molecular consequence: frameshift variant.
Genome position (GRCh38, 1-based): chr6:7,583,957-7,583,958, CT deleted. VCF-style (leftmost placement, unchanged base first): chr6-7583956-ACT-A. GRCh37 (hg19) VCF-style: chr6-7584189-ACT-A.
Other names: c.4898_4899del, p.Thr1633fs (NM_001008844.3); c.5366_5367del, p.Thr1789fs (NM_001319034.2); short protein forms T1633fs, T1789fs, T2232fs.
Identifiers: ClinVar variation 3757124 (VCV003757124.2).

ClinVar aggregate classification (germline): Pathogenic (1 of 4 stars; one submission).

Conditions:
Arrhythmogenic right ventricular dysplasia 8 (ARVD8). Also called: Arrhythmogenic Right Ventricular Dysplasia/Cardiomyopathy 8; ARRHYTHMOGENIC RIGHT VENTRICULAR DYSPLASIA, FAMILIAL, 8; ARRHYTHMOGENIC RIGHT VENTRICULAR CARDIOMYOPATHY 8. Identifiers: MedGen C1843896, MONDO:0011831, OMIM 607450.
Arrhythmogenic cardiomyopathy with wooly hair and keratoderma. Also called: PALMOPLANTAR KERATODERMA WITH LEFT VENTRICULAR CARDIOMYOPATHY AND WOOLLY HAIR; Carvajal syndrome; Dilated cardiomyopathy with woolly hair and keratoderma; Arrhythmogenic cardiomyopathy with woolly hair and keratoderma. Identifiers: Orphanet 65282, MedGen C1854063, MONDO:0011581, OMIM 605676.

Submission:

Labcorp Genetics (formerly Invitae), Labcorp
Classification: Pathogenic for Arrhythmogenic cardiomyopathy with wooly hair and keratoderma; Arrhythmogenic right ventricular dysplasia 8. Last evaluated: 2024-07-03. Review status: criteria provided, single submitter. Criteria: Invitae Variant Classification Sherloc (09022015). Collection method: clinical testing. Allele origin: germline.
Comment: This sequence change creates a premature translational stop signal (p.Thr2232Serfs*3) in the DSP gene. While this is not anticipated to result in nonsense mediated decay, it is expected to disrupt the last 640 amino acid(s) of the DSP protein. This variant is not present in population databases (gnomAD no frequency). This variant has not been reported in the literature in individuals affected with DSP-related conditions. This variant disrupts a region of the DSP protein in which other variant(s) (p.Glu2728Glyfs*11) have been determined to be pathogenic (Invitae). This suggests that this is a clinically significant region of the protein, and that variants that disrupt it are likely to be disease-causing. For these reasons, this variant has been classified as Pathogenic.